The following is an entry in ClinVar:

NM_003238.6(TGFB2):c.-288A>T

Gene: TGFB2 (transforming growth factor beta 2; plus strand). Cytogenetic location: 1q41.
Variant type: single nucleotide variant.
Coding change: c.-288A>T on transcript NM_003238.6 (MANE Select); 288 bases upstream of the start codon, A replaced by T.
Molecular consequence: 5 prime UTR variant. On other transcripts: non-coding transcript variant (2).
Genome position (GRCh38, 1-based): chr1:218,346,414, A>T. VCF-style: chr1-218346414-A-T. GRCh37 (hg19) VCF-style: chr1-218519756-A-T.
Other names: c.-288A>T (NM_001135599.4).
Identifiers: ClinVar variation 295482 (VCV000295482.7), dbSNP rs116531760, ClinGen allele CA10609113.

ClinVar aggregate classification (germline): Likely benign. Review status: criteria provided, multiple submitters, no conflicts (2 of 4 stars). 3 submissions from 3 submitters: Likely benign (3). Last evaluated 2018-06-19.

Conditions:
Loeys-Dietz syndrome 4 (LDS4). Also called: ANEURYSM, AORTIC AND CEREBRAL, WITH ARTERIAL TORTUOSITY AND SKELETAL MANIFESTATIONS; TGFB2-Related Loeys-Dietz Syndrome. Identifiers: MedGen C3553762, MONDO:0013897, OMIM 614816.

Allele frequency attached by ClinVar (database versions not stated): gnomAD exomes 0.00077; gnomAD 0.00544 and 0.00572; TOPMed 0.00628; 1000 Genomes Project 30x 0.00843; 1000 Genomes Project 0.00859.
gnomAD v4.1: 968 of 337,200 alleles (0.29%); highest among the groups gnomAD compares: African/African-American, 1.7%; 8 homozygotes.

Submissions (3):

GeneDx
Classification: Likely benign. Last evaluated: 2018-06-19. Review status: criteria provided, single submitter. Criteria: GeneDx Variant Classification (06012015). Collection method: clinical testing. Allele origin: germline. Affected: yes.
Comment: This variant is considered likely benign or benign based on one or more of the following criteria: it is a conservative change, it occurs at a poorly conserved position in the protein, it is predicted to be benign by multiple in silico algorithms, and/or has population frequency not consistent with disease.

Illumina Laboratory Services, Illumina
Classification: Likely benign for Loeys-Dietz syndrome 4. Last evaluated: 2017-04-27. Review status: criteria provided, single submitter. Criteria: ICSL Variant Classification Criteria 13 December 2019. Collection method: clinical testing. Allele origin: germline.
Comment: This variant was observed as part of a predisposition screen in an ostensibly healthy population. A literature search was performed for the gene, cDNA change, and amino acid change (where applicable). No publications were found based on this search. Allele frequency data from public databases allowed determination this variant is unlikely to cause disease. Therefore, this variant is classified as likely benign.

Breakthrough Genomics
Classification: Likely benign. Review status: criteria provided, single submitter. Criteria: ACMG Guidelines, 2015. Collection method: not provided. Allele origin: germline. Inheritance: Autosomal dominant inheritance. Affected: yes.